The following is an entry in ClinVar:

NM_001292063.2(OTOG):c.7131C>A (p.Pro2377=)

Gene: OTOG (otogelin; plus strand). Cytogenetic location: 11p15.1.
Variant type: single nucleotide variant.
Coding change: c.7131C>A on transcript NM_001292063.2 (MANE Select); coding-DNA position 7131, C replaced by A.
Protein change: p.Pro2377=; no amino-acid change (proline 2377 retained).
Molecular consequence: synonymous variant.
Genome position (GRCh38, 1-based): chr11:17,633,738, C>A. VCF-style: chr11-17633738-C-A. GRCh37 (hg19) VCF-style: chr11-17655285-C-A.
Other names: c.7167C>A, p.Pro2389= (NM_001277269.2).
Identifiers: ClinVar variation 3030226 (VCV003030226.2), dbSNP rs1426264377, ClinGen allele CA473310325.

ClinVar aggregate classification (germline): Likely benign (0 of 4 stars; one submission).

Conditions:
OTOG-related disorder. Also called: OTOG-related condition.

Allele frequency attached by ClinVar (database versions not stated): gnomAD exomes below 0.00001; gnomAD 0.00001.
gnomAD v4.1: 7 of 1,550,224 alleles (0.00045%); highest among the groups gnomAD compares: Non-Finnish European, 0.00061%; no homozygotes.

Submission:

PreventionGenetics, part of Exact Sciences
Classification: Likely benign for OTOG-related condition. Last evaluated: 2021-02-16. Review status: no assertion criteria provided. Collection method: clinical testing. Allele origin: germline.
Comment: This variant is classified as likely benign based on ACMG/AMP sequence variant interpretation guidelines (Richards et al. 2015 PMID: 25741868, with internal and published modifications).